The following is an entry in ClinVar:

ClinVar aggregate classification (germline): Uncertain significance (1 of 4 stars; one submission).

Allele frequency attached by ClinVar (database versions not stated): gnomAD exomes below 0.00001.
gnomAD v4.1: 1 of 1,614,138 alleles (0.000062%); highest among the groups gnomAD compares: Non-Finnish European, 0.000085%; no homozygotes.

Submission:

GeneDx
Classification: Uncertain significance. Last evaluated: 2023-09-29. Review status: criteria provided, single submitter. Criteria: GeneDx Variant Classification Process June 2021. Collection method: clinical testing. Allele origin: germline. Affected: yes.
Comment: Not observed at significant frequency in large population cohorts (gnomAD); In silico analysis supports that this missense variant has a deleterious effect on protein structure/function; Has not been previously published as pathogenic or benign to our knowledge

NM_005097.4(LGI1):c.592A>T (p.Ile198Phe)

Gene: LGI1 (leucine rich glioma inactivated 1; plus strand). Cytogenetic location: 10q23.33.
Variant type: single nucleotide variant.
Coding change: c.592A>T on transcript NM_005097.4 (MANE Select); coding-DNA position 592, A replaced by T.
Protein change: p.Ile198Phe; replaces isoleucine 198 with phenylalanine.
Molecular consequence: missense variant. On other transcripts: non-coding transcript variant (1).
Genome position (GRCh38, 1-based): chr10:93,792,831, A>T. VCF-style: chr10-93792831-A-T. GRCh37 (hg19) VCF-style: chr10-95552588-A-T.
Other names: c.592A>T, p.Ile198Phe (NM_001308275.2); c.448A>T, p.Ile150Phe (NM_001308276.2); short protein forms I150F, I198F.
Identifiers: ClinVar variation 3253497 (VCV003253497.1), dbSNP rs2492903956.